The following is an entry in ClinVar:

ClinVar aggregate classification (germline): Uncertain significance (1 of 4 stars; one submission).

Conditions:
Cardiovascular phenotype. Identifiers: MedGen CN230736.
Hereditary cancer-predisposing syndrome. Also called: Tumor predisposition; Hereditary neoplastic syndrome; Neoplastic Syndromes, Hereditary; Hereditary Cancer Syndrome. Identifiers: Orphanet 140162, MedGen C0027672, MeSH D009386, MONDO:0015356.

Submission:

Ambry Genetics
Classification: Uncertain significance for Cardiovascular phenotype; Hereditary cancer-predisposing syndrome. Last evaluated: 2025-04-22. Review status: criteria provided, single submitter. Criteria: Ambry Variant Classification Scheme 2023. Collection method: clinical testing. Allele origin: germline.
Comment: The p.G12R variant (also known as c.34G>A), located in coding exon 1 of the LZTR1 gene, results from a G to A substitution at nucleotide position 34. The glycine at codon 12 is replaced by arginine, an amino acid with dissimilar properties. This amino acid position is well conserved in available vertebrate species. In addition, this alteration is predicted to be tolerated by in silico analysis. Based on the available evidence, the clinical significance of this variant remains unclear.

NM_006767.4(LZTR1):c.34G>A (p.Gly12Arg)

Genes: LZTR1 (leucine zipper like post translational regulator 1; plus strand), LOC130067016 (ATAC-STARR-seq lymphoblastoid silent region 13504; plus strand). Cytogenetic location: 22q11.21.
Variant type: single nucleotide variant.
Coding change: c.34G>A on transcript NM_006767.4 (MANE Select); coding-DNA position 34, G replaced by A.
Protein change: p.Gly12Arg; replaces glycine 12 with arginine.
Molecular consequence: missense variant.
Genome position (GRCh38, 1-based): chr22:20,982,405, G>A. VCF-style: chr22-20982405-G-A. GRCh37 (hg19) VCF-style: chr22-21336694-G-A.
Other names: short protein forms G12R.
Identifiers: ClinVar variation 3987760 (VCV003987760.1).
Genomic context (GRCh38, chr22:20,982,405, plus strand): 5'-GCGCGGCCGATCCGGCGTGGACCCGGGATGGCTGGACCGGGCAGCACGGGGGGGCAGATC[G>A]GGGCTGCGGCCCTGGCAGGCGGCGCGCGGTCCAAGGTAGCCCCGAGCGTGGACTTCGACC-3'
Protein context (NP_006758.2, residues 2-22): AGPGSTGGQI[Gly12Arg]AAALAGGARS